The following is an entry in ClinVar:

ClinVar aggregate classification (germline): Conflicting classifications of pathogenicity. Review status: criteria provided, conflicting classifications (1 of 4 stars). 3 submissions from 3 submitters: Uncertain significance (1); Likely benign (1). 1 of the submissions does not count toward it. Last evaluated 2025-11-18.

Conditions:
ADAM17-related disorder. Also called: ADAM17-related condition.
Inflammatory skin and bowel disease, neonatal, 1. Identifiers: Orphanet 294023, MedGen C3280501, MONDO:0013693, OMIM 614328.

Submissions (3):

Labcorp Genetics (formerly Invitae), Labcorp
Classification: Likely benign for Inflammatory skin and bowel disease, neonatal, 1. Last evaluated: 2025-11-18. Review status: criteria provided, single submitter. Criteria: Invitae Variant Classification Sherloc (09022015). Collection method: clinical testing. Allele origin: germline.

Center for Genomics, Ann and Robert H. Lurie Children's Hospital of Chicago
Classification: Uncertain significance for Inflammatory skin and bowel disease, neonatal, 1. Last evaluated: 2022-10-27. Review status: criteria provided, single submitter. Criteria: ACMG Guidelines, 2015. Collection method: clinical testing. Allele origin: germline.
Comment: This variant has not been reported in the literature but is present in the Genome Aggregation Database (Highest reported MAF: 0.09% [38/41384]), and in ClinVar (Variation ID: 738562). This variant is a deletion of 3 nucleotides in the splice region but computational prediction tools do not suggest that it alters splicing. However, further studies are needed to understand its impact. In summary, data on this variant is insufficient for disease classification. Therefore, the clinical significance of this variant is uncertain.

PreventionGenetics, part of Exact Sciences
Classification: Likely benign for ADAM17-related condition. Last evaluated: 2024-09-19. Review status: no assertion criteria provided. Collection method: clinical testing. Allele origin: germline. Not counted in ClinVar's aggregate classification.
Comment: This variant is classified as likely benign based on ACMG/AMP sequence variant interpretation guidelines (Richards et al. 2015 PMID: 25741868, with internal and published modifications).

NM_003183.6(ADAM17):c.1545-7_1545-5del

Genes: ADAM17 (ADAM metallopeptidase domain 17; minus strand), IAH1 (isoamyl acetate hydrolyzing esterase 1 (putative); plus strand). Cytogenetic location: 2p25.1.
Variant type: Microsatellite.
Coding change: c.1545-7_1545-5del on transcript NM_003183.6 (MANE Select); 7 bases into the intron before coding-DNA position 1545 through 5 bases into the intron before coding-DNA position 1545, 3 bases deleted (TCT; older notation c.1545-7_1545-5delTCT).
Molecular consequence: intron variant.
Genome position (GRCh38, 1-based): chr2:9,502,281-9,502,283, AGA deleted on the plus strand (TCT on the coding strand, the reverse complement: ADAM17 is on the minus strand); deleting any 3 consecutive bases within chr2:9,502,281-9,502,287 gives the same sequence; the c. name uses the placement nearest the transcript's 3' end. VCF-style (leftmost placement, unchanged base first): chr2-9502280-GAGA-G. GRCh37 (hg19) VCF-style: chr2-9642409-GAGA-G.
Other names: c.1545-7_1545-5del (NM_003183.5); c.885-7_885-5del (NM_001382777.1); c.648-7_648-5del (NM_001382778.1).
Identifiers: ClinVar variation 738562 (VCV000738562.12), dbSNP rs372560151, ClinGen allele CA1523467.
Genomic context (GRCh38, chr2:9,502,280, plus strand): 5'-CACTTCTTCTGGGCAGTCTCAAACTGACAGTTTTTACAGCAAGGACTGTTCCTGTCACTG[GAGA>G]AGAACAGCAGACAGGAACAGAGCAATTCAAATTATGGCCCCATATCAAATCAAACGCTAC-3'